The following is an entry in ClinVar:

ClinVar aggregate classification (germline): Uncertain significance (1 of 4 stars; one submission).

Submission:

Labcorp Genetics (formerly Invitae), Labcorp
Classification: Uncertain significance. Last evaluated: 2022-10-28. Review status: criteria provided, single submitter. Criteria: Invitae Variant Classification Sherloc (09022015). Collection method: clinical testing. Allele origin: germline.
Comment: This variant has not been reported in the literature in individuals affected with HMCN1-related conditions. This variant is not present in population databases (gnomAD no frequency). This sequence change replaces lysine, which is basic and polar, with asparagine, which is neutral and polar, at codon 1782 of the HMCN1 protein (p.Lys1782Asn). Algorithms developed to predict the effect of missense changes on protein structure and function are either unavailable or do not agree on the potential impact of this missense change (SIFT: "Tolerated"; PolyPhen-2: "Possibly Damaging"; Align-GVGD: "Class C0"). In summary, the available evidence is currently insufficient to determine the role of this variant in disease. Therefore, it has been classified as a Variant of Uncertain Significance.

NM_031935.3(HMCN1):c.5346G>C (p.Lys1782Asn)

Gene: HMCN1 (hemicentin 1; plus strand). Cytogenetic location: 1q31.1.
Variant type: single nucleotide variant.
Coding change: c.5346G>C on transcript NM_031935.3 (MANE Select); coding-DNA position 5346, G replaced by C.
Protein change: p.Lys1782Asn; replaces lysine 1782 with asparagine.
Molecular consequence: missense variant.
Genome position (GRCh38, 1-based): chr1:186,018,228, G>C. VCF-style: chr1-186018228-G-C. GRCh37 (hg19) VCF-style: chr1-185987360-G-C.
Other names: short protein forms K1782N.
Identifiers: ClinVar variation 2808267 (VCV002808267.3), dbSNP rs755741155, ClinGen allele CA343890745.